The following is an entry in ClinVar:

NM_020877.5(DNAH2):c.5485T>G (p.Cys1829Gly)

Gene: DNAH2 (dynein axonemal heavy chain 2; plus strand). Cytogenetic location: 17p13.1.
Variant type: single nucleotide variant.
Coding change: c.5485T>G on transcript NM_020877.5 (MANE Select); coding-DNA position 5485, T replaced by G.
Protein change: p.Cys1829Gly; replaces cysteine 1829 with glycine.
Molecular consequence: missense variant.
Genome position (GRCh38, 1-based): chr17:7,778,413, T>G. VCF-style: chr17-7778413-T-G. GRCh37 (hg19) VCF-style: chr17-7681731-T-G.
Other names: short protein forms C1829G.
Identifiers: ClinVar variation 780166 (VCV000780166.6), dbSNP rs199632792, ClinGen allele CA8357471.

ClinVar aggregate classification (germline): Benign. Review status: criteria provided, multiple submitters, no conflicts (2 of 4 stars). 3 submissions from 3 submitters: Benign (2). 1 of the submissions does not count toward it. Last evaluated 2018-03-05.

Conditions:
DNAH2-related disorder. Also called: DNAH2-related condition.

Allele frequency attached by ClinVar (database versions not stated): 1000 Genomes Project 0.00120; gnomAD 0.00039 and 0.00046; ExAC 0.00090; 1000 Genomes Project 30x 0.00094; gnomAD exomes 0.00098 and 0.00026; TOPMed 0.00041.
gnomAD v4.1: 473 of 1,614,228 alleles (0.029%); highest among the groups gnomAD compares: East Asian, 0.91%; 4 homozygotes.

Submissions (3):

Labcorp Genetics (formerly Invitae), Labcorp
Classification: Benign. Last evaluated: 2018-03-05. Review status: criteria provided, single submitter. Criteria: Invitae Variant Classification Sherloc (09022015). Collection method: clinical testing. Allele origin: germline.

Breakthrough Genomics
Classification: Benign. Review status: criteria provided, single submitter. Criteria: ACMG Guidelines, 2015. Collection method: not provided. Allele origin: germline. Inheritance: Autosomal recessive inheritance. Affected: yes.

PreventionGenetics, part of Exact Sciences
Classification: Benign for DNAH2-related condition. Last evaluated: 2021-02-15. Review status: no assertion criteria provided. Collection method: clinical testing. Allele origin: germline. Not counted in ClinVar's aggregate classification.
Comment: This variant is classified as benign based on ACMG/AMP sequence variant interpretation guidelines (Richards et al. 2015 PMID: 25741868, with internal and published modifications).